The following is an entry in ClinVar:

NM_000234.3(LIG1):c.1657G>A (p.Glu553Lys)

Gene: LIG1 (DNA ligase 1; minus strand). Cytogenetic location: 19q13.33.
Variant type: single nucleotide variant.
Coding change: c.1657G>A on transcript NM_000234.3 (MANE Select); coding-DNA position 1657, G replaced by A.
Protein change: p.Glu553Lys; replaces glutamic acid 553 with lysine.
Molecular consequence: missense variant. On other transcripts: non-coding transcript variant (6).
Genome position (GRCh38, 1-based): chr19:48,133,050, C>T on the plus strand (G>A on the coding strand, the complement: LIG1 is on the minus strand). VCF-style: chr19-48133050-C-T. GRCh37 (hg19) VCF-style: chr19-48636307-C-T.
Other names: c.1564G>A, p.Glu522Lys (NM_001289063.2); c.1453G>A, p.Glu485Lys (NM_001289064.2); c.1654G>A, p.Glu552Lys (NM_001320970.2); c.1567G>A, p.Glu523Lys (NM_001320971.2); short protein forms E485K, E522K, E523K, E552K, E553K.
Identifiers: ClinVar variation 4279630 (VCV004279630.1).

ClinVar aggregate classification (germline): Uncertain significance (1 of 4 stars; one submission).

Conditions:
Immunodeficiency 96 (IMD96). Identifiers: MedGen C5676930, MONDO:0030693, OMIM 619774.

Submission:

Diagnostics Services (NGS), CSIR - Centre For Cellular And Molecular Biology
Classification: Uncertain significance for Immunodeficiency 96. Last evaluated: 2025-09-04. Review status: criteria provided, single submitter. Criteria: ACMG Guidelines, 2015. Collection method: clinical testing. Allele origin: germline. Affected: yes. Observed: 1 variant allele, 1 homozygote.
Comment: The c.1657G>A variant is not present 1000 Genomes, EVS, gnomAD, Indian Exome Database and our internal database. This variant has neither been published in literature in individuals affected with LIG1-related conditions nor reported to HGMD, ClinVar or OMIM databases in any affected individuals. In-silico pathogenicity prediction programs like SIFT, Polyphen-2, MutationTaster2021, CADD etc predicted this variant to be likely deleterious; however, these predictions were not confirmed by any published functional studies.